The following is an entry in ClinVar:

ClinVar aggregate classification (germline): Uncertain significance (1 of 4 stars; one submission).

Conditions:
Atrioventricular septal defect 5 (AVSD5). Identifiers: MedGen C3280939, MONDO:0013769, OMIM 614474.

Submission:

Labcorp Genetics (formerly Invitae), Labcorp
Classification: Uncertain significance for Atrioventricular septal defect 5. Last evaluated: 2019-06-26. Review status: criteria provided, single submitter. Criteria: Invitae Variant Classification Sherloc (09022015). Collection method: clinical testing. Allele origin: germline.
Comment: This sequence change replaces alanine with glutamic acid at codon 219 of the GATA6 protein (p.Ala219Glu). The alanine residue is weakly conserved and there is a moderate physicochemical difference between alanine and glutamic acid. The frequency data for this variant in the population databases is considered unreliable, as metrics indicate insufficient coverage at this position in the ExAC database. This variant has not been reported in the literature in individuals with GATA6-related conditions. Algorithms developed to predict the effect of missense changes on protein structure and function are either unavailable or do not agree on the potential impact of this missense change (SIFT: "Tolerated"; PolyPhen-2: "Possibly Damaging"; Align-GVGD: "Class C0"). In summary, the available evidence is currently insufficient to determine the role of this variant in disease. Therefore, it has been classified as a Variant of Uncertain Significance.

NM_005257.6(GATA6):c.656C>A (p.Ala219Glu)

Gene: GATA6 (GATA binding protein 6; plus strand). Cytogenetic location: 18q11.2.
Variant type: single nucleotide variant.
Coding change: c.656C>A on transcript NM_005257.6 (MANE Select); coding-DNA position 656, C replaced by A.
Protein change: p.Ala219Glu; replaces alanine 219 with glutamic acid.
Molecular consequence: missense variant.
Genome position (GRCh38, 1-based): chr18:22,171,800, C>A. VCF-style: chr18-22171800-C-A. GRCh37 (hg19) VCF-style: chr18-19751761-C-A.
Other names: short protein forms A219E.
Identifiers: ClinVar variation 934482 (VCV000934482.9), dbSNP rs2033054015, ClinGen allele CA401800371.